The following is an entry in ClinVar:

ClinVar aggregate classification (germline): Uncertain significance (1 of 4 stars; one submission).

Conditions:
Hereditary sensory neuropathy-deafness-dementia syndrome. Also called: NEUROPATHY, HEREDITARY SENSORY, WITH HEARING LOSS AND DEMENTIA; Hereditary Sensory and Autonomic Neuropathy Type 1E (HSAN1E); HSN IE; Hereditary sensory neuropathy type IE. Identifiers: Orphanet 456318, MedGen C3279885, MONDO:0013584, OMIM 614116.

Allele frequency attached by ClinVar (database versions not stated): ExAC 0.00001; gnomAD 0.00001; gnomAD exomes 0.00001; TOPMed 0.00002.
gnomAD v4.1: 10 of 1,614,068 alleles (0.00062%); highest among the groups gnomAD compares: Admixed American, 0.012%; no homozygotes.

Submission:

Labcorp Genetics (formerly Invitae), Labcorp
Classification: Uncertain significance for Hereditary sensory neuropathy-deafness-dementia syndrome. Last evaluated: 2023-10-04. Review status: criteria provided, single submitter. Criteria: Invitae Variant Classification Sherloc (09022015). Collection method: clinical testing. Allele origin: germline.
Comment: This sequence change replaces lysine, which is basic and polar, with glutamic acid, which is acidic and polar, at codon 1013 of the DNMT1 protein (p.Lys1013Glu). This variant is present in population databases (rs758453625, gnomAD 0.02%). This variant has not been reported in the literature in individuals affected with DNMT1-related conditions. Advanced modeling of protein sequence and biophysical properties (such as structural, functional, and spatial information, amino acid conservation, physicochemical variation, residue mobility, and thermodynamic stability) performed at Invitae indicates that this missense variant is not expected to disrupt DNMT1 protein function. In summary, the available evidence is currently insufficient to determine the role of this variant in disease. Therefore, it has been classified as a Variant of Uncertain Significance.

NM_001130823.3(DNMT1):c.3037A>G (p.Lys1013Glu)

Gene: DNMT1 (DNA methyltransferase 1; minus strand). Cytogenetic location: 19p13.2.
Variant type: single nucleotide variant.
Coding change: c.3037A>G on transcript NM_001130823.3 (MANE Select); coding-DNA position 3037, A replaced by G.
Protein change: p.Lys1013Glu; replaces lysine 1013 with glutamic acid.
Molecular consequence: missense variant.
Genome position (GRCh38, 1-based): chr19:10,143,845, T>C on the plus strand (A>G on the coding strand, the complement: DNMT1 is on the minus strand). VCF-style: chr19-10143845-T-C. GRCh37 (hg19) VCF-style: chr19-10254521-T-C.
Other names: c.2989A>G, p.Lys997Glu (NM_001318730.2, NM_001379.4); c.2674A>G, p.Lys892Glu (NM_001318731.2); short protein forms K892E, K1013E, K997E.
Identifiers: ClinVar variation 2744038 (VCV002744038.3), dbSNP rs758453625, ClinGen allele CA9187875.